The following is an entry in ClinVar:

NM_016816.4(OAS1):c.654+3A>G

Gene: OAS1 (2'-5'-oligoadenylate synthetase 1; plus strand). Cytogenetic location: 12q24.13.
Variant type: single nucleotide variant.
Coding change: c.654+3A>G on transcript NM_016816.4 (MANE Select); 3 bases into the intron after coding-DNA position 654, A replaced by G.
Molecular consequence: intron variant. On other transcripts: missense variant (5), non-coding transcript variant (4).
Genome position (GRCh38, 1-based): chr12:112,911,238, A>G. VCF-style: chr12-112911238-A-G. GRCh37 (hg19) VCF-style: chr12-113349043-A-G.
Other names: c.610A>G, p.Met204Val (NM_001406020.1, NM_001406021.1, NM_001406023.1 and 2 more transcripts); c.654+3A>G (NM_001320151.2, NM_001406022.1, NM_001032409.3 and 1 more transcripts); c.180+4019A>G (NM_001406030.1, NM_001406029.1, NM_001406027.1 and 1 more transcripts); short protein forms M204V.
Identifiers: ClinVar variation 2576592 (VCV002576592.2), dbSNP rs2540956110, ClinGen allele CA2580614562.

ClinVar aggregate classification (germline): Uncertain significance (1 of 4 stars; one submission).

Conditions:
Pulmonary alveolar proteinosis with hypogammaglobulinemia. Identifiers: Orphanet 572428, MedGen C4747984, MONDO:0020840, OMIM 618042.

Submission:

Institute of Human Genetics, University of Leipzig Medical Center
Classification: Uncertain significance for Pulmonary alveolar proteinosis with hypogammaglobulinemia. Last evaluated: 2023-07-21. Review status: criteria provided, single submitter. Criteria: ACMG Guidelines, 2015. Collection method: clinical testing. Allele origin: unknown. Inheritance: Autosomal dominant inheritance. Affected: yes.
Comment: Criteria applied: PM2_SUP,PP3